The following is an entry in ClinVar:

ClinVar aggregate classification (germline): Uncertain significance. Review status: criteria provided, multiple submitters, no conflicts (2 of 4 stars). 2 submissions from 2 submitters: Uncertain significance (2). Last evaluated 2025-12-17.

Conditions:
Alstrom syndrome (ALMS). Identifiers: Orphanet 64, MedGen C0268425, MONDO:0008763, OMIM 203800.
Cardiovascular phenotype. Identifiers: MedGen CN230736.

Allele frequency attached by ClinVar (database versions not stated): TOPMed below 0.00001; gnomAD 0.00001.
gnomAD v4.1: 7 of 1,252,522 alleles (0.00056%); highest among the groups gnomAD compares: African/African-American, 0.0015%; no homozygotes.

Submissions (2):

Labcorp Genetics (formerly Invitae), Labcorp
Classification: Uncertain significance for Alstrom syndrome. Last evaluated: 2025-12-17. Review status: criteria provided, single submitter. Criteria: Invitae Variant Classification Sherloc (09022015). Collection method: clinical testing. Allele origin: germline.
Comment: This sequence change replaces glutamic acid, which is acidic and polar, with alanine, which is neutral and non-polar, at codon 27 of the ALMS1 protein (p.Glu27Ala). This variant is not present in population databases (gnomAD no frequency). This variant has not been reported in the literature in individuals affected with ALMS1-related conditions. ClinVar contains an entry for this variant (Variation ID: 1954516). Experimental studies and prediction algorithms are not available or were not evaluated, and the functional significance of this variant is currently unknown. In summary, the available evidence is currently insufficient to determine the role of this variant in disease. Therefore, it has been classified as a Variant of Uncertain Significance.

Ambry Genetics
Classification: Uncertain significance for Cardiovascular phenotype. Last evaluated: 2025-04-02. Review status: criteria provided, single submitter. Criteria: Ambry Variant Classification Scheme 2023. Collection method: clinical testing. Allele origin: germline.
Comment: The p.E27A variant (also known as c.80A>C), located in coding exon 1 of the ALMS1 gene, results from an A to C substitution at nucleotide position 80. The glutamic acid at codon 27 is replaced by alanine, an amino acid with dissimilar properties. This amino acid position is not well conserved in available vertebrate species. In addition, this alteration is predicted to be tolerated by in silico analysis. Since supporting evidence is limited at this time, the clinical significance of this alteration remains unclear.

NM_001378454.1(ALMS1):c.77A>C (p.Glu26Ala)

Gene: ALMS1 (ALMS1 centrosome and basal body associated protein; plus strand). Cytogenetic location: 2p13.1.
Variant type: single nucleotide variant.
Coding change: c.77A>C on transcript NM_001378454.1 (MANE Select); coding-DNA position 77, A replaced by C.
Protein change: p.Glu26Ala; replaces glutamic acid 26 with alanine.
Molecular consequence: missense variant.
Genome position (GRCh38, 1-based): chr2:73,385,945, A>C. VCF-style: chr2-73385945-A-C. GRCh37 (hg19) VCF-style: chr2-73613073-A-C.
Other names: c.80A>C, p.Glu27Ala (NM_015120.4); short protein forms E26A, E27A.
Identifiers: ClinVar variation 1954516 (VCV001954516.7), dbSNP rs1670512146, ClinGen allele CA347250558.
Genomic context (GRCh38, chr2:73,385,945, plus strand): 5'-TGCCATGGCCGGGCGAGCTGGAGGAGGAGGAGGAGGAGGAGGAGGAGGAGGAGGAGGAAG[A>C]GGAGGAGGCTGCAGCGGCGGCGGCGGCGAACGTGGACGACGTAGTGGTCGTGGAGGAGGT-3'
Protein context (NP_001365383.1, residues 16-36): EEEEEEEEEE[Glu26Ala]EEAAAAAAAN